The following is an entry in ClinVar:

NM_004817.4(TJP2):c.104C>A (p.Thr35Asn)

Gene: TJP2 (tight junction protein 2; plus strand). Cytogenetic location: 9q21.11.
Variant type: single nucleotide variant.
Coding change: c.104C>A on transcript NM_004817.4 (MANE Select); coding-DNA position 104, C replaced by A.
Protein change: p.Thr35Asn; replaces threonine 35 with asparagine.
Molecular consequence: missense variant.
Genome position (GRCh38, 1-based): chr9:69,212,591, C>A. VCF-style: chr9-69212591-C-A. GRCh37 (hg19) VCF-style: chr9-71827507-C-A.
Other names: c.35C>A, p.Thr12Asn (NM_001170414.2, NM_001369870.1, NM_001369871.1); c.116C>A, p.Thr39Asn (NM_001170415.1, NM_001369874.1, NM_001369875.1); c.197C>A, p.Thr66Asn (NM_001170416.2); c.104C>A, p.Thr35Asn (NM_001369872.1, NM_001369873.1, NM_201629.3); short protein forms T12N, T66N, T35N, T39N.
Identifiers: ClinVar variation 4998437 (VCV004998437.1).

ClinVar aggregate classification (germline): Uncertain significance (1 of 4 stars; one submission).

Conditions:
TJP2-related disorder. Also called: TJP2-related condition.

gnomAD v4.1: 5 of 1,612,292 alleles (0.00031%); highest among the groups gnomAD compares: Admixed American, 0.0017%; no homozygotes.

Submission:

PreventionGenetics, part of Exact Sciences
Classification: Uncertain significance for TJP2-related condition. Last evaluated: 2025-02-12. Review status: criteria provided, single submitter. Criteria: ACMG Guidelines, 2015. Collection method: clinical testing. Allele origin: germline.
Comment: The TJP2 c.104C>A variant is predicted to result in the amino acid substitution p.Thr35Asn. To our knowledge, this variant has not been reported in the literature or in a large population database (gnomAD), indicating this variant is rare. At this time, the clinical significance of this variant is uncertain due to the absence of conclusive functional and genetic evidence.